The following is an entry in ClinVar:

ClinVar aggregate classification (germline): Uncertain significance (1 of 4 stars; one submission).

gnomAD v4.1: 1 of 1,596,988 alleles (0.000063%); highest among the groups gnomAD compares: Non-Finnish European, 0.000085%; no homozygotes.

Submission:

CeGaT Center for Human Genetics Tuebingen
Classification: Uncertain significance. Last evaluated: 2025-07-01. Review status: criteria provided, single submitter. Criteria: CeGaT Center For Human Genetics Tuebingen Variant Classification Criteria Version 2. Collection method: clinical testing. Allele origin: germline. Affected: yes. Observed: 1 variant allele.
Comment: SBF1: PM2, PP3

NM_002972.4(SBF1):c.2963T>C (p.Phe988Ser)

Gene: SBF1 (SET binding factor 1; minus strand). Cytogenetic location: 22q13.33.
Variant type: single nucleotide variant.
Coding change: c.2963T>C on transcript NM_002972.4 (MANE Select); coding-DNA position 2963, T replaced by C.
Protein change: p.Phe988Ser; replaces phenylalanine 988 with serine.
Molecular consequence: missense variant.
Genome position (GRCh38, 1-based): chr22:50,461,163, A>G on the plus strand (T>C on the coding strand, the complement: SBF1 is on the minus strand). VCF-style: chr22-50461163-A-G. GRCh37 (hg19) VCF-style: chr22-50899592-A-G.
Other names: c.2966T>C, p.Phe989Ser (NM_001365819.1, NM_001410794.1); c.2963T>C, p.Phe988Ser (NM_001410795.1); short protein forms F988S, F989S.
Identifiers: ClinVar variation 4085295 (VCV004085295.8).